The following is an entry in ClinVar:

NM_001127496.3(SPRY4):c.541del (p.Val181fs)

Gene: SPRY4 (sprouty RTK signaling antagonist 4; minus strand). Cytogenetic location: 5q31.3.
Variant type: Deletion.
Coding change: c.541del on transcript NM_001127496.3 (MANE Select); coding-DNA position 541, one base deleted (G; older notation c.541delG).
Protein change: p.Val181fs; shifts the reading frame from valine 181.
Molecular consequence: frameshift variant.
Genome position (GRCh38, 1-based): chr5:142,314,568, C deleted on the plus strand (G on the coding strand, the reverse complement: SPRY4 is on the minus strand); the first of 3 consecutive C bases (chr5:142,314,568-142,314,570); deleting any one gives the same sequence. VCF-style (leftmost placement, unchanged base first): chr5-142314567-AC-A. GRCh37 (hg19) VCF-style: chr5-141694132-AC-A.
Other names: c.541del, p.Val181fs (NM_001293289.3, NM_001293290.3); c.610del, p.Val204fs (NM_030964.5); short protein forms V181fs, V204fs.
Identifiers: ClinVar variation 4813425 (VCV004813425.1).

ClinVar aggregate classification (germline): Uncertain significance (1 of 4 stars; one submission).

Conditions:
Hypogonadotropic hypogonadism 17 with or without anosmia (HH17). Also called: HYPOGONADOTROPIC HYPOGONADISM 17 WITH ANOSMIA; HYPOGONADOTROPIC HYPOGONADISM 17 WITHOUT ANOSMIA; HYPOGONADOTROPIC HYPOGONADISM 17 WITH OR WITHOUT ANOSMIA, SUSCEPTIBILITY TO. Identifiers: Orphanet 478, MedGen C3808971, MONDO:0014102, OMIM 615266.

Submission:

MVZ Praenatalmedizin und Genetik Nuernberg
Classification: Uncertain significance for Hypogonadotropic hypogonadism 17 with or without anosmia. Last evaluated: 2022-09-22. Review status: criteria provided, single submitter. Criteria: ACMG Guidelines, 2015. Collection method: clinical testing. Allele origin: germline. Affected: yes.
Comment: The variant has not been detected in gnomADv2.1.1 and is therefore a very rare variant. It has not yet been reported in the ClinVar database. To our knowledge, it has not yet been described in the literature. It is a frameshift variant in exon 2 of 2 (the only protein-coding exon) of the above transcript. If no NMD (nonsense-mediated mRNA decay) occurs, it can be assumed that there is an altered and shortened amino acid sequence starting at amino acid 181. This would suggest a loss-of-function effect, but the impact on protein function cannot be predicted with certainty. Missense and synonymous variants in SPRY4 have been described in patients with hypogonadotropic hypogonadism (autosomal dominant or oligogenic inheritance; PMID:23643382; OMIM-P:615266). To our knowledge, no stop or frameshift variants in SPRY4 have been found to date as a cause of hypogonadotropic hypogonadism (see ClinVar). According to a recent study (PMID:33670044), a missense variant associated with Kallmann syndrome appears to lead to overactivation of the protein, thus providing indication of a gain-of-function mechanism. In summary, based on the current data, we consider this variant to be of uncertain clinical significance (VUS).

Literature cited by the submitters: PubMed 23643382; PubMed 33670044.